The following is an entry in ClinVar:

ClinVar aggregate classification (germline): Uncertain significance (1 of 4 stars; one submission).

gnomAD v4.1: 1 of 1,614,156 alleles (0.000062%); highest among the groups gnomAD compares: Admixed American, 0.0017%; no homozygotes.

Submission:

Labcorp Genetics (formerly Invitae), Labcorp
Classification: Uncertain significance. Last evaluated: 2024-11-11. Review status: criteria provided, single submitter. Criteria: Invitae Variant Classification Sherloc (09022015). Collection method: clinical testing. Allele origin: germline.
Comment: This sequence change replaces leucine, which is neutral and non-polar, with proline, which is neutral and non-polar, at codon 874 of the ALPK1 protein (p.Leu874Pro). This variant is present in population databases (no rsID available, gnomAD 0.003%). This variant has not been reported in the literature in individuals affected with ALPK1-related conditions. Invitae Evidence Modeling of protein sequence and biophysical properties (such as structural, functional, and spatial information, amino acid conservation, physicochemical variation, residue mobility, and thermodynamic stability) indicates that this missense variant is not expected to disrupt ALPK1 protein function with a negative predictive value of 80%. In summary, the available evidence is currently insufficient to determine the role of this variant in disease. Therefore, it has been classified as a Variant of Uncertain Significance.

NM_025144.4(ALPK1):c.2621T>C (p.Leu874Pro)

Gene: ALPK1 (alpha kinase 1; plus strand). Cytogenetic location: 4q25.
Variant type: single nucleotide variant.
Coding change: c.2621T>C on transcript NM_025144.4 (MANE Select); coding-DNA position 2621, T replaced by C.
Protein change: p.Leu874Pro; replaces leucine 874 with proline.
Molecular consequence: missense variant.
Genome position (GRCh38, 1-based): chr4:112,432,168, T>C. VCF-style: chr4-112432168-T-C. GRCh37 (hg19) VCF-style: chr4-113353324-T-C.
Other names: c.2621T>C, p.Leu874Pro (NM_001102406.2); c.2387T>C, p.Leu796Pro (NM_001253884.2); short protein forms L796P, L874P.
Identifiers: ClinVar variation 3696057 (VCV003696057.2).